The following is an entry in ClinVar:

ClinVar aggregate classification (germline): Uncertain significance (1 of 4 stars; one submission).

Conditions:
Methylmalonic acidemia with homocystinuria, type cblJ (MAHCJ). Also called: METHYLMALONIC ACIDURIA AND HOMOCYSTINURIA, cblJ TYPE. Identifiers: Orphanet 369955, MedGen C3553915, MONDO:0013925, OMIM 614857.

Allele frequency attached by ClinVar (database versions not stated): gnomAD exomes below 0.00001.
gnomAD v4.1: 4 of 1,614,238 alleles (0.00025%); highest among the groups gnomAD compares: East Asian, 0.0022%; no homozygotes.

Submission:

Labcorp Genetics (formerly Invitae), Labcorp
Classification: Uncertain significance for Methylmalonic acidemia with homocystinuria, type cblJ. Last evaluated: 2021-01-11. Review status: criteria provided, single submitter. Criteria: Invitae Variant Classification Sherloc (09022015). Collection method: clinical testing. Allele origin: germline.
Comment: This variant is not present in population databases (ExAC no frequency). This variant has not been reported in the literature in individuals with ABCD4-related conditions. Advanced modeling of protein sequence and biophysical properties (such as structural, functional, and spatial information, amino acid conservation, physicochemical variation, residue mobility, and thermodynamic stability) performed at Invitae indicates that this missense variant is expected to disrupt ABCD4 protein function. In summary, the available evidence is currently insufficient to determine the role of this variant in disease. Therefore, it has been classified as a Variant of Uncertain Significance. This sequence change replaces threonine with isoleucine at codon 428 of the ABCD4 protein (p.Thr428Ile). The threonine residue is moderately conserved and there is a moderate physicochemical difference between threonine and isoleucine.

NM_005050.4(ABCD4):c.1283C>T (p.Thr428Ile)

Gene: ABCD4 (ATP binding cassette subfamily D member 4; minus strand). Cytogenetic location: 14q24.3.
Variant type: single nucleotide variant.
Coding change: c.1283C>T on transcript NM_005050.4 (MANE Select); coding-DNA position 1283, C replaced by T.
Protein change: p.Thr428Ile; replaces threonine 428 with isoleucine.
Molecular consequence: missense variant. On other transcripts: non-coding transcript variant (10).
Genome position (GRCh38, 1-based): chr14:74,290,335, G>A on the plus strand (C>T on the coding strand, the complement: ABCD4 is on the minus strand). VCF-style: chr14-74290335-G-A. GRCh37 (hg19) VCF-style: chr14-74757038-G-A.
Other names: c.1157C>T, p.Thr386Ile (NM_001353591.2, NM_001353592.2); c.1022C>T, p.Thr341Ile (NM_001353593.2); c.971C>T, p.Thr324Ile (NM_001353594.2); c.869C>T, p.Thr290Ile (NM_001353595.2, NM_001353596.2); c.818C>T, p.Thr273Ile (NM_001353597.2); c.806C>T, p.Thr269Ile (NM_001353598.2, NM_001353599.2, NM_001353600.2 and 2 more transcripts); c.494C>T, p.Thr165Ile (NM_001353602.2, NM_001353603.2, NM_001353604.2 and 6 more transcripts); c.1283C>T, p.Thr428Ile (NM_020325.3); short protein forms T165I, T273I, T428I, T269I, T290I, T324I, T341I, T386I.
Identifiers: ClinVar variation 1394666 (VCV001394666.8), dbSNP rs945270666, ClinGen allele CA263583358.